The following is an entry in ClinVar:

ClinVar aggregate classification (germline): Likely benign (1 of 4 stars; one submission).

Submission:

CeGaT Center for Human Genetics Tuebingen
Classification: Likely benign. Last evaluated: 2025-07-01. Review status: criteria provided, single submitter. Criteria: CeGaT Center For Human Genetics Tuebingen Variant Classification Criteria Version 2. Collection method: clinical testing. Allele origin: germline. Affected: yes. Observed: 1 variant allele.
Comment: SPTBN1: PM2:Supporting, BP4, BP7

NM_003128.3(SPTBN1):c.2187A>G (p.Leu729=)

Gene: SPTBN1 (spectrin beta, non-erythrocytic 1; plus strand). Cytogenetic location: 2p16.2.
Variant type: single nucleotide variant.
Coding change: c.2187A>G on transcript NM_003128.3 (MANE Select); coding-DNA position 2187, A replaced by G.
Protein change: p.Leu729=; no amino-acid change (leucine 729 retained).
Molecular consequence: synonymous variant.
Genome position (GRCh38, 1-based): chr2:54,629,321, A>G. VCF-style: chr2-54629321-A-G. GRCh37 (hg19) VCF-style: chr2-54856458-A-G.
Other names: c.2148A>G, p.Leu716= (NM_178313.3).
Identifiers: ClinVar variation 4084794 (VCV004084794.8).